The following is an entry in ClinVar:

NM_201384.3(PLEC):c.7379A>C (p.Glu2460Ala)

Gene: PLEC (plectin; minus strand). Cytogenetic location: 8q24.3.
Variant type: single nucleotide variant.
Coding change: c.7379A>C on transcript NM_201384.3 (MANE Select); coding-DNA position 7379, A replaced by C.
Protein change: p.Glu2460Ala; replaces glutamic acid 2460 with alanine.
Molecular consequence: missense variant.
Genome position (GRCh38, 1-based): chr8:143,922,550, T>G on the plus strand (A>C on the coding strand, the complement: PLEC is on the minus strand). VCF-style: chr8-143922550-T-G. GRCh37 (hg19) VCF-style: chr8-144996718-T-G.
Other names: c.7460A>C, p.Glu2487Ala (NM_000445.5); c.7337A>C, p.Glu2446Ala (NM_201378.4); c.7313A>C, p.Glu2438Ala (NM_201379.3); c.7790A>C, p.Glu2597Ala (NM_201380.4); c.7283A>C, p.Glu2428Ala (NM_201381.3); c.7379A>C, p.Glu2460Ala (NM_201382.4); c.7391A>C, p.Glu2464Ala (NM_201383.3); short protein forms E2464A, E2428A, E2460A, E2438A, E2446A, E2487A, E2597A.
Identifiers: ClinVar variation 1382570 (VCV001382570.8), dbSNP rs1326203510, ClinGen allele CA372525826.

ClinVar aggregate classification (germline): Uncertain significance (1 of 4 stars; one submission).

Conditions:
Epidermolysis bullosa simplex 5B, with muscular dystrophy (EBS5B). Also called: Epidermolysis bullosa simplex with muscular dystrophy; EPIDERMOLYSIS BULLOSA SIMPLEX AND LIMB-GIRDLE MUSCULAR DYSTROPHY. Identifiers: Orphanet 257, MedGen C2931072, MONDO:0009181, OMIM 226670.
Epidermolysis bullosa simplex, Ogna type (EBS5A). Also called: Pidermolysis bullosa simplex 5A, Ogna type; EPIDERMOLYSIS BULLOSA SIMPLEX 5A, OGNA TYPE. Identifiers: Orphanet 79401, MedGen C0432317, MONDO:0007555, OMIM 131950.
Autosomal recessive limb-girdle muscular dystrophy type 2Q (LGMDR17). Also called: MUSCULAR DYSTROPHY, LIMB-GIRDLE, AUTOSOMAL RECESSIVE 17. Identifiers: Orphanet 254361, MedGen C3150989, MONDO:0013390, OMIM 613723.
Epidermolysis bullosa simplex with nail dystrophy (EBS5D). Identifiers: MedGen C4225309, MONDO:0014661, OMIM 616487.
Epidermolysis bullosa simplex 5C, with pyloric atresia (EBS5C). Also called: Epidermolysis bullosa simplex with pyloric atresia; PLEC-Related Epidermolysis Bullosa with Pyloric Atresia; PLEC1-Related Epidermolysis Bullosa with Pyloric Atresia. Identifiers: Orphanet 158684, MedGen C2677349, MONDO:0012807, OMIM 612138.

Allele frequency attached by ClinVar (database versions not stated): gnomAD exomes below 0.00001; TOPMed below 0.00001.
gnomAD v4.1: 4 of 1,613,024 alleles (0.00025%); highest among the groups gnomAD compares: African/African-American, 0.0013%; no homozygotes.

Submission:

Labcorp Genetics (formerly Invitae), Labcorp
Classification: Uncertain significance for Autosomal recessive limb-girdle muscular dystrophy type 2Q; Epidermolysis bullosa simplex, Ogna type; Epidermolysis bullosa simplex with nail dystrophy; Epidermolysis bullosa simplex 5C, with pyloric atresia; Epidermolysis bullosa simplex 5B, with muscular dystrophy. Last evaluated: 2024-10-15. Review status: criteria provided, single submitter. Criteria: Invitae Variant Classification Sherloc (09022015). Collection method: clinical testing. Allele origin: germline.
Comment: This sequence change replaces glutamic acid, which is acidic and polar, with alanine, which is neutral and non-polar, at codon 2487 of the PLEC protein (p.Glu2487Ala). This variant is not present in population databases (gnomAD no frequency). This variant has not been reported in the literature in individuals affected with PLEC-related conditions. ClinVar contains an entry for this variant (Variation ID: 1382570). An algorithm developed to predict the effect of missense changes on protein structure and function outputs the following: PolyPhen-2: "Benign". The alanine amino acid residue is found in multiple mammalian species, which suggests that this missense change does not adversely affect protein function. In summary, the available evidence is currently insufficient to determine the role of this variant in disease. Therefore, it has been classified as a Variant of Uncertain Significance.